The following is an entry in ClinVar:

NM_001267550.2(TTN):c.79912C>T (p.Gln26638Ter)

Genes: TTN (titin; minus strand), TTN-AS1 (TTN antisense RNA 1; plus strand). Cytogenetic location: 2q31.2.
Variant type: single nucleotide variant.
Coding change: c.79912C>T on transcript NM_001267550.2 (MANE Select); coding-DNA position 79912, C replaced by T.
Protein change: p.Gln26638Ter; replaces glutamine 26638 with a stop codon.
Molecular consequence: nonsense.
Genome position (GRCh38, 1-based): chr2:178,566,220, G>A on the plus strand (C>T on the coding strand, the complement: TTN is on the minus strand). VCF-style: chr2-178566220-G-A. GRCh37 (hg19) VCF-style: chr2-179430947-G-A.
Other names: c.74989C>T, p.Gln24997Ter (NM_001256850.1); c.52717C>T, p.Gln17573Ter (NM_003319.4); c.72208C>T, p.Gln24070Ter (NM_133378.4); c.53092C>T, p.Gln17698Ter (NM_133432.3); c.53293C>T, p.Gln17765Ter (NM_133437.4); short protein forms Q17765*, Q24070*, Q26638*, Q17573*, Q17698*, Q24997*.
Identifiers: ClinVar variation 969392 (VCV000969392.10), dbSNP rs1705781269, ClinGen allele CA349592905.

ClinVar aggregate classification (germline): Likely pathogenic (1 of 4 stars; one submission).

Conditions:
Dilated cardiomyopathy 1G (CMD1G). Identifiers: Orphanet 154, MedGen C1858763, MONDO:0011400, OMIM 604145.
Autosomal recessive limb-girdle muscular dystrophy type 2J (LGMDR10). Also called: Limb-girdle muscular dystrophy, type 2J; MUSCULAR DYSTROPHY, LIMB-GIRDLE, AUTOSOMAL RECESSIVE 10. Identifiers: Orphanet 140922, MedGen C1837342, MONDO:0012127, OMIM 608807.

Submission:

Labcorp Genetics (formerly Invitae), Labcorp
Classification: Likely pathogenic for Dilated cardiomyopathy 1G; Autosomal recessive limb-girdle muscular dystrophy type 2J. Last evaluated: 2020-10-27. Review status: criteria provided, single submitter. Criteria: Invitae Variant Classification Sherloc (09022015). Collection method: clinical testing. Allele origin: germline.
Comment: In summary, the currently available evidence indicates that the variant is pathogenic, but additional data are needed to prove that conclusively. Therefore, this variant has been classified as Likely Pathogenic. This variant is located in the A band of TTN (PMID: 25589632). Truncating variants in this region are significantly overrepresented in patients affected with dilated cardiomyopathy (PMID: 25589632). Truncating variants in this region have also been reported in individuals affected with autosomal recessive centronuclear myopathy (PMID: 23975875). This variant has not been reported in the literature in individuals with TTN-related conditions. This variant is not present in population databases (ExAC no frequency). This sequence change results in a premature translational stop signal in the TTN gene (p.Gln26638*). While this is not anticipated to result in nonsense mediated decay, it is expected to create a truncated TTN protein.

Literature cited by the submitters: PubMed 25589632; PubMed 23975875.